The following is an entry in ClinVar:

ClinVar aggregate classification (germline): Pathogenic. Review status: criteria provided, multiple submitters, no conflicts (2 of 4 stars). 3 submissions from 3 submitters: Pathogenic (3). Last evaluated 2025-04-22.

Conditions:
Inborn genetic diseases. Identifiers: MedGen C0950123, MeSH D030342.
X-linked central congenital hypothyroidism with late-onset testicular enlargement. Also called: Hypothyroidism, central, and testicular enlargement; HYPOTHYROIDISM, CENTRAL, WITH TESTICULAR ENLARGEMENT. Identifiers: Orphanet 329235, MedGen C3550963, MONDO:0010475, OMIM 300888.

Allele frequency attached by ClinVar (database versions not stated): gnomAD 0.00001.

Submissions (3):

GeneDx
Classification: Pathogenic. Last evaluated: 2025-04-22. Review status: criteria provided, single submitter. Criteria: GeneDx Variant Classification Process June 2021. Collection method: clinical testing. Allele origin: germline. Affected: yes.
Comment: Frameshift variant predicted to result in protein truncation or nonsense mediated decay in a gene for which loss-of-function is a known mechanism of disease; Not observed at significant frequency in large population cohorts (gnomAD); Has not been previously published as pathogenic or benign to our knowledge

Genomics, Clalit Research Institute, Clalit Health Care
Classification: Pathogenic for X-linked central congenital hypothyroidism with late-onset testicular enlargement. Last evaluated: 2024-06-16. Review status: criteria provided, single submitter. Criteria: ACMG Guidelines, 2015. Collection method: clinical testing. Allele origin: germline. Inheritance: X-linked recessive inheritance. Affected: yes. Observed: 1 hemizygote.
Comment: Frequency: The variant is absent from the gnomAD reference population dataset. Variant type: Null variant (frameshift indel ) in a gene where loss of function is a known mechanism of disease. Predicted to undergo NMD. Clinical evidence: To date, the variant has not been described by reputable sources or in the primary literature. Phenotype: The patient's phenotype or family history is compitable wuth the gene. (PVS1,PM2_support,PP4)

Ambry Genetics
Classification: Pathogenic for Inborn genetic diseases. Last evaluated: 2023-10-30. Review status: criteria provided, single submitter. Criteria: Ambry Variant Classification Scheme 2023. Collection method: clinical testing. Allele origin: germline.
Comment: The c.1829_1851DUP23 (p.R618Gfs*4) alteration, located in exon 12 (coding exon 11) of the IGSF1 gene, consists of a duplication of GGAAGAACTTAACCCTCTGGTGC at position 1829, causing a translational frameshift with a predicted alternate stop codon after 4 amino acids. This alteration is expected to result in loss of function by premature protein truncation or nonsense-mediated mRNA decay. Based on data from gnomAD, this allele has an overall frequency of 0.001% (1/112303) total alleles studied. The highest observed frequency was 0.002% (1/53224) of European (non-Finnish) alleles. Based on the available evidence, this alteration is classified as pathogenic.

NM_001555.5(IGSF1):c.1814_1836dup (p.Arg613delinsGlyArgThrTer)

Gene: IGSF1 (immunoglobulin superfamily member 1; minus strand). Cytogenetic location: Xq26.1.
Variant type: Duplication.
Coding change: c.1814_1836dup on transcript NM_001555.5 (MANE Select); coding-DNA positions 1814 to 1836, 23 bases duplicated (GGAAGAACTTAACCCTCTGGTGC).
Protein change: p.Arg613delinsGlyArgThrTer.
Molecular consequence: nonsense.
Genome position (GRCh38, 1-based): chrX:131,278,666-131,278,688, GCACCAGAGGGTTAAGTTCTTCC duplicated on the plus strand (GGAAGAACTTAACCCTCTGGTGC on the coding strand, the reverse complement: IGSF1 is on the minus strand). VCF-style (leftmost placement, unchanged base first): chrX-131278665-T-TGCACCAGAGGGTTAAGTTCTTCC. GRCh37 (hg19) VCF-style: chrX-130412639-T-TGCACCAGAGGGTTAAGTTCTTCC.
Other names: c.1829_1851dup (NM_001170961.1); c.1829_1851dup, p.Arg618delinsGlyArgThrTer (NM_001170961.2); c.1787_1809dup, p.Arg604delinsGlyArgThrTer (NM_001170962.2).
Identifiers: ClinVar variation 3108778 (VCV003108778.4), dbSNP rs2080511514, ClinGen allele CA1137376683.